The following is an entry in ClinVar:

NM_000260.4(MYO7A):c.5101C>T (p.Arg1701Ter)

Gene: MYO7A (myosin VIIA; plus strand). Cytogenetic location: 11q13.5.
Variant type: single nucleotide variant.
Coding change: c.5101C>T on transcript NM_000260.4 (MANE Select); coding-DNA position 5101, C replaced by T.
Protein change: p.Arg1701Ter; replaces arginine 1701 with a stop codon.
Molecular consequence: nonsense.
Genome position (GRCh38, 1-based): chr11:77,202,357, C>T. VCF-style: chr11-77202357-C-T. GRCh37 (hg19) VCF-style: chr11-76913402-C-T.
Other names: c.4987C>T, p.Arg1663Ter (NM_001127180.2); c.4954C>T, p.Arg1652Ter (NM_001369365.1); short protein forms R1701*, R1663*, R1652*.
Identifiers: ClinVar variation 43270 (VCV000043270.20), dbSNP rs111033182, ClinGen allele CA278678.

ClinVar aggregate classification (germline): Pathogenic. Review status: criteria provided, multiple submitters, no conflicts (2 of 4 stars). 9 submissions from 9 submitters: Pathogenic (8). 1 of the submissions does not count toward it. Last evaluated 2025-10-08.

Conditions:
MYO7A-related disorder. Also called: MYO7A-related disorders.
Rare genetic deafness. Identifiers: Orphanet 96210, MedGen C5680250.
Autosomal recessive nonsyndromic hearing loss 2. Also called: DEAFNESS, AUTOSOMAL RECESSIVE 2; NEUROSENSORY NONSYNDROMIC RECESSIVE DEAFNESS 2. Identifiers: Orphanet 90636, MedGen C1838701, MONDO:0010807, OMIM 600060.
Usher syndrome type 1 (USH1). Also called: RETINITIS PIGMENTOSA AND CONGENITAL DEAFNESS. Identifiers: Orphanet 231169, Orphanet 886, MedGen C1568247, MONDO:0010168, OMIM 276900.
Autosomal dominant nonsyndromic hearing loss 11. Identifiers: Orphanet 90635, MedGen C1832475, MONDO:0011032, OMIM 601317.
Usher syndrome type 1B (USH1B). Also called: Usher syndrome type IB. Identifiers: MedGen C1848638, MONDO:0700087.

Allele frequency attached by ClinVar (database versions not stated): ExAC below 0.00001; TOPMed below 0.00001; gnomAD 0.00001.
gnomAD v4.1: 6 of 1,570,530 alleles (0.00038%); highest among the groups gnomAD compares: South Asian, 0.0012%; no homozygotes.

Submissions (9):

Natera, Inc.
Classification: Pathogenic for Usher syndrome type 1B. Last evaluated: 2025-10-08. Review status: criteria provided, single submitter. Criteria: Natera Variant Classification Schema (03/2026). Collection method: clinical testing. Allele origin: germline.
Comment: The c.5101C>T variant in MYO7A is a nonsense variant predicted to introduce a stop codon at amino acid 1701. This variant is expected to result in nonsense mediated decay, truncation, or a dysfunctional protein product. This variant is rare in the general population with a frequency below the threshold expected for the associated phenotype(s). This variant has been observed in one or more individuals affected with the associated recessive disease, as either homozygous or compound heterozygous with a second variant (PMID: 35440622). Given the available evidence, this variant is classified as Pathogenic.

Revvity Omics, Revvity
Classification: Pathogenic. Last evaluated: 2025-03-24. Review status: criteria provided, single submitter. Criteria: ACMG Guidelines, 2015. Collection method: clinical testing. Allele origin: germline.

Fulgent Genetics
Classification: Pathogenic for Usher syndrome type 1; Autosomal recessive nonsyndromic hearing loss 2; Autosomal dominant nonsyndromic hearing loss 11. Last evaluated: 2024-01-18. Review status: criteria provided, single submitter. Criteria: ACMG Guidelines, 2015. Collection method: clinical testing. Allele origin: germline.

Blueprint Genetics
Classification: Pathogenic for MYO7A-related disorders. Last evaluated: 2024-01-09. Review status: criteria provided, single submitter. Criteria: ACMG Guidelines, 2015. Collection method: clinical testing. Allele origin: germline. Affected: yes. Observed: 5 variant alleles.

Labcorp Genetics (formerly Invitae), Labcorp
Classification: Pathogenic. Last evaluated: 2022-11-11. Review status: criteria provided, single submitter. Criteria: Invitae Variant Classification Sherloc (09022015). Collection method: clinical testing. Allele origin: germline.
Comment: For these reasons, this variant has been classified as Pathogenic. ClinVar contains an entry for this variant (Variation ID: 43270). This premature translational stop signal has been observed in individual(s) with Usher syndrome (PMID: 16400615, 22135276, 29490346, 31266775). The frequency data for this variant in the population databases is considered unreliable, as metrics indicate poor data quality at this position in the gnomAD database. This sequence change creates a premature translational stop signal (p.Arg1701*) in the MYO7A gene. It is expected to result in an absent or disrupted protein product. Loss-of-function variants in MYO7A are known to be pathogenic (PMID: 8900236, 25404053).

King Laboratory, University of Washington
Classification: Pathogenic for Autosomal recessive nonsyndromic hearing loss 2. Last evaluated: 2020-08-01. Review status: criteria provided, single submitter. Criteria: Abu Rayyan A et al. (Proc Natl Acad Sci U S A 2020). Collection method: research. Allele origin: germline. Affected: yes.
Comment: The variant is absent from 1300 Palestinian controls and absent from gnomAD v2.1.1.

Laboratory for Molecular Medicine, Mass General Brigham Personalized Medicine
Classification: Pathogenic for Rare genetic deafness. Last evaluated: 2010-12-23. Review status: criteria provided, single submitter. Criteria: LMM Criteria. Collection method: clinical testing. Allele origin: germline. Observed: 3 variant alleles.
Comment: The Arg1701X variant in MYO7A has been reported as a compound heterozygous varia nt in one proband with Usher syndrome (Gerber 2006). In addition, this variant h as been identified by our laboratory as a homozygous variant in two siblings wit h clinical features of Usher syndrome. The Arg1701X variant leads to a premature stop codon at position 1701, which is predicted to lead to a truncated or absen t protein. In summary, this variant meets our criteria to be classified as patho genic.

Neuberg Centre For Genomic Medicine, NCGM
Classification: Pathogenic for Usher syndrome type 1. Review status: criteria provided, single submitter. Criteria: ACMG Guidelines, 2015. Collection method: clinical testing. Allele origin: germline. Inheritance: Autosomal recessive inheritance. Affected: yes.
Comment: The stop gained variant c.5101C>T p.Arg1701Ter in the MYO7A gene has been reported in an individual in a homozygous state affected with Usher syndrome Khalaileh et al., 2018; Le Quesne Stabej et al., 2012. The variant has 0.001% allele frequency in gnomAD Exomes and is novel not in any individuals in 1000 Genomes. This variant has been reported to the ClinVar database as Likely Pathogenic/ Pathogenic. This variant is predicted to cause a loss of normal protein function through protein truncation. Loss of function variants has been previously reported to be disease causing. For these reasons, this variant has been classified as Pathogenic.

Counsyl
Classification: Likely pathogenic for Usher syndrome type 1; Autosomal recessive nonsyndromic hearing loss 2. Last evaluated: 2018-03-09. Review status: no assertion criteria provided. Collection method: clinical testing. Allele origin: unknown. Not counted in ClinVar's aggregate classification.

Literature cited by the submitters: PubMed 35440622 (cited by Natera, Inc.); PubMed 16400615 (cited by 3 submitters); PubMed 22135276 (cited by Labcorp Genetics (formerly Invitae), Labcorp and Counsyl); PubMed 29490346 (cited by Labcorp Genetics (formerly Invitae), Labcorp); PubMed 31266775 (cited by Labcorp Genetics (formerly Invitae), Labcorp); PubMed 8900236 (cited by Labcorp Genetics (formerly Invitae), Labcorp); PubMed 25404053 (cited by Labcorp Genetics (formerly Invitae), Labcorp).